The following is an entry in ClinVar:

NM_019616.4(F7):c.1190C>T (p.Thr397Met)

Gene: F7 (coagulation factor VII; plus strand). Cytogenetic location: 13q34.
Variant type: single nucleotide variant.
Coding change: c.1190C>T on transcript NM_019616.4 (MANE Select); coding-DNA position 1190, C replaced by T.
Protein change: p.Thr397Met; replaces threonine 397 with methionine.
Molecular consequence: missense variant. On other transcripts: non-coding transcript variant (1).
Genome position (GRCh38, 1-based): chr13:113,118,863, C>T. VCF-style: chr13-113118863-C-T. GRCh37 (hg19) VCF-style: chr13-113773177-C-T.
Other names: F7, THR359MET; T359M; p.Thr419Met; c.1256C>T, p.Thr419Met (NM_000131.5); c.1004C>T, p.Thr335Met (NM_001267554.2); short protein forms T335M, T397M, T419M.
Identifiers: ClinVar variation 12071 (VCV000012071.5), dbSNP rs121964930, ClinGen allele CA7060246.

ClinVar aggregate classification (germline): Pathogenic/Likely pathogenic. Review status: criteria provided, multiple submitters, no conflicts (2 of 4 stars). 4 submissions from 4 submitters: Pathogenic (2); Likely pathogenic (1). 1 of the submissions does not count toward it. Last evaluated 2024-07-18.

Conditions:
F7-related disorders.
Congenital factor VII deficiency. Identifiers: Orphanet 327, MedGen C0272320, MONDO:0009211, OMIM 227500.
Factor VII deficiency. Also called: Factor 7 deficiency; F7 DEFICIENCY; HYPOPROCONVERTINEMIA. Identifiers: MedGen C0015503, MeSH D005168, MONDO:0002244.

Allele frequency attached by ClinVar (database versions not stated): gnomAD 0.00001; ExAC 0.00002; TOPMed 0.00004.
gnomAD v4.1: 18 of 1,612,718 alleles (0.0011%); highest among the groups gnomAD compares: South Asian, 0.0033%; no homozygotes.

Submissions (4):

Mayo Clinic Laboratories, Mayo Clinic
Classification: Pathogenic. Last evaluated: 2024-07-18. Review status: criteria provided, single submitter. Criteria: ACMG Guidelines, 2015. Collection method: clinical testing. Allele origin: germline. Observed: 2 variant alleles.
Comment: PM2_moderate, PM3_strong, PS3, PS4_moderate

Blueprint Genetics
Classification: Pathogenic for F7-related disorders. Last evaluated: 2020-11-07. Review status: criteria provided, single submitter. Criteria: ACMG Guidelines, 2015. Collection method: clinical testing. Allele origin: germline. Affected: yes. Observed: 2 variant alleles.

Juno Genomics, Hangzhou Juno Genomics, Inc
Classification: Likely pathogenic for Congenital factor VII deficiency. Review status: criteria provided, single submitter. Criteria: ACMG Guidelines, 2015. Collection method: clinical testing. Allele origin: germline.
Comment: Absent from controls (or at extremely low frequency if recessive) in Genome Aggregation Database.;Well-established in vitro or in vivo functional studies supportive of a damaging effect on the gene or gene product.;Patient's phenotype or family history is highly specific for a disease with a single genetic etiology.

OMIM
Classification: Pathogenic for FACTOR VII DEFICIENCY. Last evaluated: 1996-06-15. Review status: no assertion criteria provided. Collection method: literature only. Allele origin: germline. Not counted in ClinVar's aggregate classification.

Literature cited by the submitters: PubMed 19141116 (cited by Mayo Clinic Laboratories, Mayo Clinic); PubMed 22327826 (cited by Mayo Clinic Laboratories, Mayo Clinic); PubMed 23672839 (cited by Mayo Clinic Laboratories, Mayo Clinic); PubMed 25952977 (cited by Mayo Clinic Laboratories, Mayo Clinic); PubMed 28038846 (cited by Mayo Clinic Laboratories, Mayo Clinic); PubMed 32333443 (cited by Mayo Clinic Laboratories, Mayo Clinic); PubMed 36760778 (cited by Mayo Clinic Laboratories, Mayo Clinic); PubMed 36951360 (cited by Mayo Clinic Laboratories, Mayo Clinic); PubMed 8652821 (cited by Mayo Clinic Laboratories, Mayo Clinic and OMIM); PubMed 9308740 (cited by Mayo Clinic Laboratories, Mayo Clinic).